The following is an entry in ClinVar:

NM_006231.4(POLE):c.4172C>T (p.Ser1391Phe)

Gene: POLE (DNA polymerase epsilon, catalytic subunit; minus strand). Cytogenetic location: 12q24.33.
Variant type: single nucleotide variant.
Coding change: c.4172C>T on transcript NM_006231.4 (MANE Select); coding-DNA position 4172, C replaced by T.
Protein change: p.Ser1391Phe; replaces serine 1391 with phenylalanine.
Molecular consequence: missense variant.
Genome position (GRCh38, 1-based): chr12:132,643,955, G>A on the plus strand (C>T on the coding strand, the complement: POLE is on the minus strand). VCF-style: chr12-132643955-G-A. GRCh37 (hg19) VCF-style: chr12-133220541-G-A.
Other names: short protein forms S1391F.
Identifiers: ClinVar variation 3225454 (VCV003225454.1), dbSNP rs149145495, ClinGen allele CA387382456.

ClinVar aggregate classification (germline): Uncertain significance (1 of 4 stars; one submission).

Conditions:
Hereditary cancer-predisposing syndrome. Also called: Neoplastic Syndromes, Hereditary; Tumor predisposition; Hereditary neoplastic syndrome; Hereditary Cancer Syndrome. Identifiers: Orphanet 140162, MedGen C0027672, MeSH D009386, MONDO:0015356.

gnomAD v4.1: 3 of 1,613,576 alleles (0.00019%); highest among the groups gnomAD compares: Non-Finnish European, 0.00025%; no homozygotes.

Submission:

Ambry Genetics
Classification: Uncertain significance for Hereditary cancer-predisposing syndrome. Last evaluated: 2024-02-22. Review status: criteria provided, single submitter. Criteria: Ambry Variant Classification Scheme 2023. Collection method: clinical testing. Allele origin: germline.
Comment: The p.S1391F variant (also known as c.4172C>T), located in coding exon 33 of the POLE gene, results from a C to T substitution at nucleotide position 4172. The serine at codon 1391 is replaced by phenylalanine, an amino acid with highly dissimilar properties. This amino acid position is conserved. In addition, the in silico prediction for this alteration is inconclusive. Based on the available evidence, the clinical significance of this alteration remains unclear.